The following is an entry in ClinVar:

ClinVar aggregate classification (germline): Uncertain significance (1 of 4 stars; one submission).

Conditions:
Multiple congenital anomalies/dysmorphic syndrome. Identifiers: Orphanet 68341, MedGen C5681310, MONDO:0019042.

Submission:

Broad Center for Mendelian Genomics, Broad Institute of MIT and Harvard
Classification: Uncertain significance for Multiple congenital anomalies/dysmorphic syndrome. Last evaluated: 2025-06-27. Review status: criteria provided, single submitter. Criteria: ACMG Guidelines, 2015. Collection method: curation. Allele origin: germline. Inheritance: Autosomal recessive inheritance. Study: GREGoR Consortium.
Comment: While this gene is still lacking sufficient evidence to establish a gene-disease relationship, we believe this is a possible novel gene candidate for multiple congenital anomalies/dysmorphic syndrome. Given the limited information about this gene-disease relationship, the significance of the c.805+71_805+74del variant is uncertain. If you have any additional information about functional evidence or other individuals with this phenotype that also have variants in MCRS1 we encourage you to reach out to us.

NM_006337.5(MCRS1):c.805+71_805+74del

Gene: MCRS1 (microspherule protein 1; minus strand). Cytogenetic location: 12q13.12.
Variant type: Deletion.
Coding change: c.805+71_805+74del on transcript NM_006337.5 (MANE Select); bases 71 to 74 of the intron after coding-DNA position 805, 4 bases deleted (CACA; older notation c.805+71_805+74delCACA).
Molecular consequence: intron variant.
Genome position (GRCh38, 1-based): chr12:49,562,927-49,562,930, TGTG deleted on the plus strand (CACA on the coding strand, the reverse complement: MCRS1 is on the minus strand); deleting any 4 consecutive bases within chr12:49,562,927-49,562,931 gives the same sequence; the c. name uses the placement nearest the transcript's 3' end. VCF-style (leftmost placement, unchanged base first): chr12-49562926-CTGTG-C. GRCh37 (hg19) VCF-style: chr12-49956709-CTGTG-C.
Other names: NM_001278341.2:c.232+71_232+74del; c.232+71_232+74del (NM_001278341.2); c.844+71_844+74del (NM_001012300.1).
Identifiers: ClinVar variation 4070915 (VCV004070915.1).
Genomic context (GRCh38, chr12:49,562,926, plus strand): 5'-GTGAGGTGAACAAGACACTGGGGATCACTGAGGAATCTGTTACAGGGCACTTGAAGGCAG[CTGTG>C]TCGAGTACTTCAGACACACACACACATGCACGTGCACACACCCCCATTCTGCCAGCTCCT-3'